The following is an entry in ClinVar:

NM_004174.4(SLC9A3):c.2332G>A (p.Gly778Arg)

Genes: SLC9A3 (solute carrier family 9 member A3), SLC9A3-AS1 (SLC9A3 antisense RNA 1; plus strand). Cytogenetic location: 5p15.33.
Variant type: single nucleotide variant.
Coding change: c.2332G>A on transcript NM_004174.4 (MANE Select); coding-DNA position 2332, G replaced by A.
Protein change: p.Gly778Arg; replaces glycine 778 with arginine.
Molecular consequence: missense variant.
Genome position (GRCh38, 1-based): chr5:475,052, C>T on the plus strand (G>A on the coding strand, the complement: SLC9A3 is on the minus strand). VCF-style: chr5-475052-C-T. GRCh37 (hg19) VCF-style: chr5-475167-C-T.
Other names: c.2305G>A, p.Gly769Arg (NM_001284351.3); c.2332G>A (NM_004174.2); short protein forms G778R, G769R.
Identifiers: ClinVar variation 3691027 (VCV003691027.3).

ClinVar aggregate classification (germline): Uncertain significance. Review status: criteria provided, multiple submitters, no conflicts (2 of 4 stars). 2 submissions from 2 submitters: Uncertain significance (2). Last evaluated 2025-09-22.

Conditions:
Inborn genetic diseases. Identifiers: MedGen C0950123, MeSH D030342.

gnomAD v4.1: 2 of 1,612,098 alleles (0.00012%); highest among the groups gnomAD compares: African/African-American, 0.0013%; no homozygotes.

Submissions (2):

Ambry Genetics
Classification: Uncertain significance for Inborn genetic diseases. Last evaluated: 2025-09-22. Review status: criteria provided, single submitter. Criteria: Ambry Variant Classification Scheme 2023. Collection method: clinical testing. Allele origin: germline.

Labcorp Genetics (formerly Invitae), Labcorp
Classification: Uncertain significance. Last evaluated: 2024-06-26. Review status: criteria provided, single submitter. Criteria: Invitae Variant Classification Sherloc (09022015). Collection method: clinical testing. Allele origin: germline.
Comment: This sequence change replaces glycine, which is neutral and non-polar, with arginine, which is basic and polar, at codon 778 of the SLC9A3 protein (p.Gly778Arg). This variant is not present in population databases (gnomAD no frequency). This variant has not been reported in the literature in individuals affected with SLC9A3-related conditions. An algorithm developed to predict the effect of missense changes on protein structure and function (PolyPhen-2) suggests that this variant is likely to be tolerated. In summary, the available evidence is currently insufficient to determine the role of this variant in disease. Therefore, it has been classified as a Variant of Uncertain Significance.